The following is an entry in ClinVar:

NM_000465.4(BARD1):c.365-3315_793del

Gene: BARD1 (BRCA1 associated RING domain 1; minus strand). Cytogenetic location: 2q35.
Variant type: Deletion.
Coding change: c.365-3315_793del on transcript NM_000465.4 (MANE Select); 3315 bases into the intron before coding-DNA position 365 through coding-DNA position 793, 3,744 bases deleted.
Molecular consequence: splice acceptor variant. On other transcripts: intron variant (3).
Genome position (GRCh38, 1-based): chr2:214,781,081-214,784,824, 3,744 bases deleted. GRCh37 (hg19): chr2:215,645,806-215,649,549.
Other names: c.158+24588_158+28331del (NM_001282548.2); c.308-3315_736del (NM_001282543.2); c.215+12237_215+15980del (NM_001282545.2); c.364+7473_364+11216del (NM_001282549.2).
Identifiers: ClinVar variation 964741 (VCV000964741.2), ClinGen allele CA1139655725.

ClinVar aggregate classification (germline): Likely pathogenic (1 of 4 stars; one submission).

Conditions:
Familial cancer of breast. Also called: BREAST CANCER, FAMILIAL; Hereditary breast cancer; hereditary breast carcinoma. Identifiers: Orphanet 227535, MedGen C0346153, MONDO:0016419, OMIM 114480. Disease mechanism: loss of function.

Submission:

Labcorp Genetics (formerly Invitae), Labcorp
Classification: Likely pathogenic for Hereditary Breast Carcinoma. Last evaluated: 2019-11-11. Review status: criteria provided, single submitter. Criteria: Invitae Variant Classification Sherloc (09022015). Collection method: clinical testing. Allele origin: germline.
Comment: This variant results in the deletion of part of exon 4 (c.365-3316_792del) of the BARD1 gene. It is expected to disrupt RNA splicing and likely results in an absent or disrupted protein product. This variant has not been reported in the literature in individuals with BARD1-related conditions. Loss-of-function variants in BARD1 are known to be pathogenic (PMID: 20077502, 21344236). In summary, the currently available evidence indicates that the variant is pathogenic, but additional data are needed to prove that conclusively. Therefore, this variant has been classified as Likely Pathogenic.